The following is an entry in ClinVar:

ClinVar aggregate classification (germline): Uncertain significance (1 of 4 stars; one submission).

Conditions:
Pitt-Hopkins-like syndrome 2 (PTHSL2). Identifiers: Orphanet 221150, Orphanet 600663, MedGen C3280479, MONDO:0013690, OMIM 614325.

Submission:

Labcorp Genetics (formerly Invitae), Labcorp
Classification: Uncertain significance for Pitt-Hopkins-like syndrome 2. Last evaluated: 2022-01-06. Review status: criteria provided, single submitter. Criteria: Invitae Variant Classification Sherloc (09022015). Collection method: clinical testing. Allele origin: germline.
Comment: In summary, the available evidence is currently insufficient to determine the role of this variant in disease. Therefore, it has been classified as a Variant of Uncertain Significance. Experimental studies and prediction algorithms are not available or were not evaluated, and the functional significance of this variant is currently unknown. This variant has not been reported in the literature in individuals affected with NRXN1-related conditions. This variant is a gross deletion of the genomic region encompassing exon(s) 23 of the NRXN1 gene. While this deletion is not anticipated to lead to nonsense mediated decay, it is expected to disrupt the C-terminus of the protein.

NC_000002.12:g.(?_49943684)_(49943811_?)del

Gene: NRXN1 (neurexin 1; minus strand). Cytogenetic location: 2p16.3.
Variant type: Deletion.
Identifiers: ClinVar variation 832777 (VCV000832777.4).